The following is an entry in ClinVar:

NM_001039591.3(USP9X):c.7597G>C (p.Gly2533Arg)

Gene: USP9X (ubiquitin specific peptidase 9 X-linked; plus strand). Cytogenetic location: Xp11.4.
Variant type: single nucleotide variant.
Coding change: c.7597G>C on transcript NM_001039591.3 (MANE Select); coding-DNA position 7597, G replaced by C.
Protein change: p.Gly2533Arg; replaces glycine 2533 with arginine.
Molecular consequence: missense variant.
Genome position (GRCh38, 1-based): chrX:41,232,456, G>C. VCF-style: chrX-41232456-G-C. GRCh37 (hg19) VCF-style: chrX-41091709-G-C.
Other names: c.7645G>C, p.Gly2549Arg (NM_001039590.3); c.7660G>C, p.Gly2554Arg (NM_001410748.1); c.7612G>C, p.Gly2538Arg (NM_001410749.1); short protein forms G2533R, G2538R, G2549R, G2554R.
Identifiers: ClinVar variation 2845219 (VCV002845219.3), dbSNP rs2519422916, ClinGen allele CA412754921.

ClinVar aggregate classification (germline): Uncertain significance (1 of 4 stars; one submission).

Submission:

Labcorp Genetics (formerly Invitae), Labcorp
Classification: Uncertain significance. Last evaluated: 2023-10-09. Review status: criteria provided, single submitter. Criteria: Invitae Variant Classification Sherloc (09022015). Collection method: clinical testing. Allele origin: germline.
Comment: This sequence change replaces glycine, which is neutral and non-polar, with arginine, which is basic and polar, at codon 2549 of the USP9X protein (p.Gly2549Arg). This variant is not present in population databases (gnomAD no frequency). This variant has not been reported in the literature in individuals affected with USP9X-related conditions. An algorithm developed to predict the effect of missense changes on protein structure and function (PolyPhen-2) suggests that this variant is likely to be tolerated. In summary, the available evidence is currently insufficient to determine the role of this variant in disease. Therefore, it has been classified as a Variant of Uncertain Significance.